The following is an entry in ClinVar:

NM_001367624.2(ZNF469):c.3628G>A (p.Glu1210Lys)

Gene: ZNF469 (zinc finger protein 469; plus strand). Cytogenetic location: 16q24.2.
Variant type: single nucleotide variant.
Coding change: c.3628G>A on transcript NM_001367624.2 (MANE Select); coding-DNA position 3628, G replaced by A.
Protein change: p.Glu1210Lys; replaces glutamic acid 1210 with lysine.
Molecular consequence: missense variant.
Genome position (GRCh38, 1-based): chr16:88,431,098, G>A. VCF-style: chr16-88431098-G-A. GRCh37 (hg19) VCF-style: chr16-88497506-G-A.
Other names: NM_001127464.1:c.3544G>A; short protein forms E1210K.
Identifiers: ClinVar variation 1311621 (VCV001311621.2), dbSNP rs2142304482, ClinGen allele CA397085649.

ClinVar aggregate classification (germline): Uncertain significance (1 of 4 stars; one submission).

Allele frequency attached by ClinVar (database versions not stated): gnomAD exomes below 0.00001.
gnomAD v4.1: 1 of 1,550,190 alleles (0.000065%); highest among the groups gnomAD compares: Non-Finnish European, 0.000087%; no homozygotes.

Submission:

GeneDx
Classification: Uncertain significance. Last evaluated: 2020-01-02. Review status: criteria provided, single submitter. Criteria: GeneDx Variant Classification Process June 2021. Collection method: clinical testing. Allele origin: germline. Affected: yes.
Comment: Has not been previously published as pathogenic or benign to our knowledge; Not observed in large population cohorts (Lek et al., 2016); In silico analysis, which includes protein predictors and evolutionary conservation, supports that this variant does not alter protein structure/function